The following is an entry in ClinVar:

NM_007055.4(POLR3A):c.2394T>C (p.Cys798=)

Gene: POLR3A (RNA polymerase III subunit A; minus strand). Cytogenetic location: 10q22.3.
Variant type: single nucleotide variant.
Coding change: c.2394T>C on transcript NM_007055.4 (MANE Select); coding-DNA position 2394, T replaced by C.
Protein change: p.Cys798=; no amino-acid change (cysteine 798 retained).
Molecular consequence: synonymous variant.
Genome position (GRCh38, 1-based): chr10:78,001,060, A>G on the plus strand (T>C on the coding strand, the complement: POLR3A is on the minus strand). VCF-style: chr10-78001060-A-G. GRCh37 (hg19) VCF-style: chr10-79760818-A-G.
Other names: p.Cys798=.
Identifiers: ClinVar variation 301058 (VCV000301058.19), dbSNP rs35536566, ClinGen allele CA5571126.

ClinVar aggregate classification (germline): Benign. Review status: criteria provided, multiple submitters, no conflicts (2 of 4 stars). 7 submissions from 7 submitters: Benign (7). Last evaluated 2026-02-04.

Conditions:
Leukodystrophy, hypomyelinating, 7, with or without oligodontia and/or hypogonadotropic hypogonadism (HLD7). Also called: LEUKODYSTROPHY, HYPOMYELINATING, 7, WITH OLIGODONTIA; LEUKODYSTROPHY, HYPOMYELINATING, 7, WITH OLIGODONTIA AND HYPOGONADOTROPIC HYPOGONADISM; LEUKODYSTROPHY, HYPOMYELINATING, 7, WITHOUT OLIGODONTIA OR HYPOGONADOTROPIC HYPOGONADISM; LEUKOENCEPHALOPATHY, HYPOMYELINATING, WITH ATAXIA AND DELAYED DENTITION; ATAXIA, DELAYED DENTITION, AND HYPOMYELINATION; Ataxia, Delayed Dentition and Hypomyelination (ADDH). Identifiers: Orphanet 137639, Orphanet 447893, Orphanet 447896, Orphanet 77295, Orphanet 88637, MedGen CN034185, MONDO:0011897, OMIM 607694.

Allele frequency attached by ClinVar (database versions not stated): ESP Exome Variant Server 0.02568; gnomAD 0.03553 and 0.04231; gnomAD exomes 0.03800 and 0.06215; TOPMed 0.04345; ExAC 0.05899; 1000 Genomes Project 30x 0.10353; 1000 Genomes Project 0.10803.
gnomAD v4.1: 62,396 of 1,607,162 alleles (3.9%); highest among the groups gnomAD compares: East Asian, 21%; 2,775 homozygotes.

Submissions (7):

Labcorp Genetics (formerly Invitae), Labcorp
Classification: Benign. Last evaluated: 2026-02-04. Review status: criteria provided, single submitter. Criteria: Invitae Variant Classification Sherloc (09022015). Collection method: clinical testing. Allele origin: germline.

Blueprint Genetics
Classification: Benign. Last evaluated: 2024-11-27. Review status: criteria provided, single submitter. Criteria: ACMG Guidelines, 2015. Collection method: clinical testing. Allele origin: germline.

Unidad de Genómica Garrahan, Hospital de Pediatría Garrahan
Classification: Benign. Last evaluated: 2024-01-24. Review status: criteria provided, single submitter. Criteria: ACMG Guidelines, 2015. Collection method: clinical testing. Allele origin: germline. Affected: no. Observed: 19 variant alleles.
Comment: This variant is classified as Benign based on local population frequency. This variant was detected in 20% of patients studied by a panel of primary immunodeficiencies. Number of patients: 19. Only high quality variants are reported.

Mayo Clinic Laboratories, Mayo Clinic
Classification: Benign. Last evaluated: 2022-03-23. Review status: criteria provided, single submitter. Criteria: ACMG Guidelines, 2015. Collection method: clinical testing. Allele origin: germline. Observed: 33 variant alleles.

GeneDx
Classification: Benign. Last evaluated: 2021-05-05. Review status: criteria provided, single submitter. Criteria: GeneDx Variant Classification Process June 2021. Collection method: clinical testing. Allele origin: germline. Affected: yes.

Illumina Laboratory Services, Illumina
Classification: Benign for Leukodystrophy, hypomyelinating, 7, with or without oligodontia and/or hypogonadotropic hypogonadism. Last evaluated: 2018-01-13. Review status: criteria provided, single submitter. Criteria: ICSL Variant Classification Criteria 13 December 2019. Collection method: clinical testing. Allele origin: germline.
Comment: This variant was observed in the ICSL laboratory as part of a predisposition screen in an ostensibly healthy population. It had not been previously curated by ICSL or reported in the Human Gene Mutation Database (HGMD: prior to June 1st, 2018), and was therefore a candidate for classification through an automated scoring system. Utilizing variant allele frequency, disease prevalence and penetrance estimates, and inheritance mode, an automated score was calculated to assess if this variant is too frequent to cause the disease. Based on the score and internal cut-off values, a variant classified as benign is not then subjected to further curation. The score for this variant resulted in a classification of benign for this disease.

Breakthrough Genomics
Classification: Benign. Review status: criteria provided, single submitter. Criteria: ACMG Guidelines, 2015. Collection method: not provided. Allele origin: germline. Inheritance: Autosomal recessive inheritance. Affected: yes.